The following is an entry in ClinVar:

NM_001378454.1(ALMS1):c.6454T>C (p.Tyr2152His)

Gene: ALMS1 (ALMS1 centrosome and basal body associated protein; plus strand). Cytogenetic location: 2p13.1.
Variant type: single nucleotide variant.
Coding change: c.6454T>C on transcript NM_001378454.1 (MANE Select); coding-DNA position 6454, T replaced by C.
Protein change: p.Tyr2152His; replaces tyrosine 2152 with histidine.
Molecular consequence: missense variant.
Genome position (GRCh38, 1-based): chr2:73,452,981, T>C. VCF-style: chr2-73452981-T-C. GRCh37 (hg19) VCF-style: chr2-73680108-T-C.
Other names: c.6457T>C, p.Tyr2153His (NM_015120.4); short protein forms Y2152H, Y2153H.
Identifiers: ClinVar variation 4530785 (VCV004530785.1).
Genomic context (GRCh38, chr2:73,452,981, plus strand): 5'-ACAGTATTACCAACAGCTCTTCCTAGTTCCTTTTCACATCGAGAGAAACCAGATATTTTC[T>C]ATCAAAAGGATTTGCCAGATAGACATCTAACTGAAGATGCTCTAAAGATCTCAAGTGCTC-3'
Protein context (NP_001365383.1, residues 2142-2162): FSHREKPDIF[Tyr2152His]QKDLPDRHLT

ClinVar aggregate classification (germline): Uncertain significance (1 of 4 stars; one submission).

gnomAD v4.1: 4 of 1,612,242 alleles (0.00025%); highest among the groups gnomAD compares: Non-Finnish European, 0.00034%; no homozygotes.

Submission:

GeneDx
Classification: Uncertain significance. Last evaluated: 2025-05-21. Review status: criteria provided, single submitter. Criteria: GeneDx Variant Classification Process June 2021. Collection method: clinical testing. Allele origin: germline. Affected: yes.
Comment: Not observed at significant frequency in large population cohorts (gnomAD); In silico analysis suggests that this missense variant does not alter protein structure/function; Has not been previously published as pathogenic or benign to our knowledge